The following is an entry in ClinVar:

NM_003072.5(SMARCA4):c.1352G>T (p.Arg451Leu)

Gene: SMARCA4 (SWI/SNF related BAF chromatin remodeling complex subunit ATPase 4; plus strand). Cytogenetic location: 19p13.2.
Variant type: single nucleotide variant.
Coding change: c.1352G>T on transcript NM_003072.5 (MANE Select); coding-DNA position 1352, G replaced by T.
Protein change: p.Arg451Leu; replaces arginine 451 with leucine.
Molecular consequence: missense variant. On other transcripts: non-coding transcript variant (1).
Genome position (GRCh38, 1-based): chr19:10,991,256, G>T. VCF-style: chr19-10991256-G-T. GRCh37 (hg19) VCF-style: chr19-11101932-G-T.
Other names: c.1352G>T, p.Arg451Leu (NM_001128844.3, NM_001128845.2, NM_001128846.2 and 6 more transcripts); short protein forms R451L.
Identifiers: ClinVar variation 2444058 (VCV002444058.3), dbSNP rs2086534991, ClinGen allele CA404060890.

ClinVar aggregate classification (germline): Conflicting classifications of pathogenicity. Review status: criteria provided, conflicting classifications (1 of 4 stars). 2 submissions from 2 submitters: Likely pathogenic (1); Uncertain significance (1). Last evaluated 2024-07-22.

Conditions:
Intellectual disability, autosomal dominant 16 (CSS4). Also called: COFFIN-SIRIS SYNDROME 4. Identifiers: Orphanet 1465, MedGen C3553249, MONDO:0013821, OMIM 614609.

Submissions (2):

Dasa
Classification: Uncertain significance. Last evaluated: 2024-07-22. Review status: criteria provided, single submitter. Criteria: DASA Assertion Criteria. Collection method: clinical testing. Allele origin: germline.
Comment: NM_003072.5(SMARCA4):c.1352G>T (p.Arg451Leu) is a missense variant that results in the substitution of arginine with leucine. The affected residue or protein region has prior evidence supporting clinical relevance. This variant has been reported in individuals with SMARCA4-related disorders. Also, this variant is absent from population databases. The currently available literature and clinical evidence are not sufficient to establish a definitive association between this variant and the reported condition. Therefore, this variant is classified as a variant of uncertain significance.

3billion
Classification: Likely pathogenic for Intellectual disability, autosomal dominant 16. Last evaluated: 2023-02-23. Review status: criteria provided, single submitter. Criteria: ACMG Guidelines, 2015. Collection method: clinical testing. Allele origin: unknown. Affected: yes.
Comment: The variant is not observed in the gnomAD v2.1.1 dataset. Missense changes are a common disease-causing mechanism. In silico tool predictions suggest damaging effect of the variant on gene or gene product (REVEL: 0.60; 3Cnet: 0.50). The variant has been previously reported as assumed (i.e. paternity and maternity not confirmed) de novo in at least one similarly affected unrelated individual (PMID: 29095814). A different missense change at the same codon (p.Arg451Cys) has been reported as pathogenic/likely pathogenic with strong evidence (ClinVar ID: VCV000937431). Therefore, this variant is classified as Likely pathogenic according to the recommendation of ACMG/AMP guideline.

Literature cited by the submitters: PubMed 29095814 (cited by 3billion).